The following is an entry in ClinVar:

NM_006445.4(PRPF8):c.5575A>G (p.Lys1859Glu)

Gene: PRPF8 (pre-mRNA processing factor 8; minus strand). Cytogenetic location: 17p13.3.
Variant type: single nucleotide variant.
Coding change: c.5575A>G on transcript NM_006445.4 (MANE Select); coding-DNA position 5575, A replaced by G.
Protein change: p.Lys1859Glu; replaces lysine 1859 with glutamic acid.
Molecular consequence: missense variant.
Genome position (GRCh38, 1-based): chr17:1,656,692, T>C on the plus strand (A>G on the coding strand, the complement: PRPF8 is on the minus strand). VCF-style: chr17-1656692-T-C. GRCh37 (hg19) VCF-style: chr17-1559986-T-C.
Other names: short protein forms K1859E.
Identifiers: ClinVar variation 4082846 (VCV004082846.1).

ClinVar aggregate classification (germline): Uncertain significance (1 of 4 stars; one submission).

Submission:

GeneDx
Classification: Uncertain significance. Last evaluated: 2025-02-28. Review status: criteria provided, single submitter. Criteria: GeneDx Variant Classification Process June 2021. Collection method: clinical testing. Allele origin: germline. Affected: yes.
Comment: Not observed at significant frequency in large population cohorts (gnomAD); In silico analysis supports that this missense variant has a deleterious effect on protein structure/function; Has not been previously published as pathogenic or benign to our knowledge